The following is an entry in ClinVar:

NC_000023.10:g.(?_68890034)_(69177002_?)dup

Gene: EDA (ectodysplasin A; plus strand). Cytogenetic location: Xq13.1.
Variant type: Duplication.
Identifiers: ClinVar variation 528365 (VCV000528365.1).

ClinVar aggregate classification (germline): Pathogenic (1 of 4 stars; one submission).

Conditions:
Hypohidrotic X-linked ectodermal dysplasia (XHED). Also called: ECTODERMAL DYSPLASIA, HYPOHIDROTIC, 1; CST SYNDROME; ECTODERMAL DYSPLASIA 1; Ectodermal Dysplasia 1, Anhidrotic; Christ-Siemans-Touraine syndrome; Anhidrotic ectodermal dysplasia X-linked. Identifiers: Orphanet 181, Orphanet 238468, MedGen C0162359, MONDO:0010585, OMIM 305100.

Submission:

Labcorp Genetics (formerly Invitae), Labcorp
Classification: Pathogenic for Hypohidrotic X-linked ectodermal dysplasia. Last evaluated: 2018-01-04. Review status: criteria provided, single submitter. Criteria: Invitae Variant Classification Sherloc (09022015). Collection method: clinical testing. Allele origin: germline.
Comment: This variant is a gross duplication of the genomic region encompassing exon 2 of the EDA gene. While the exact position of the duplicated exon cannot be determined from this data, the duplicated copy of this region is likely in tandem and may result in an absent or disrupted protein product. Duplication of exon 2 has been reported in individuals affected with X-linked hypohidrotic ectodermal dysplasia (PMID: 27305980, 24689965). Sub-genic duplications are generally in tandem (PMID: 25640679), and result in an absent or disrupted protein. Loss-of-function variants in EDA are known to be pathogenic (PMID: 9683615). For these reasons, this variant has been classified as Pathogenic.

Literature cited by the submitters: PubMed 24689965; PubMed 27305980.